The following is an entry in ClinVar:

ClinVar aggregate classification (germline): Likely benign. Review status: criteria provided, multiple submitters, no conflicts (2 of 4 stars). 3 submissions from 3 submitters: Likely benign (2). 1 of the submissions does not count toward it. Last evaluated 2026-02-03.

Conditions:
Inborn genetic diseases. Identifiers: MedGen C0950123, MeSH D030342.
SMAD6-related disease. Also called: SMAD6-related condition; SMAD6-related disorder. Identifiers: MedGen CN381596, MONDO:0700324.
Aortic valve disease 2 (AOVD2). Identifiers: MedGen C3542024, MONDO:0013902, OMIM 614823.

Allele frequency attached by ClinVar (database versions not stated): ExAC below 0.00001; gnomAD 0.00002 and 0.00003; gnomAD exomes 0.00002; TOPMed 0.00008.

Submissions (3):

Labcorp Genetics (formerly Invitae), Labcorp
Classification: Likely benign for Aortic valve disease 2. Last evaluated: 2026-02-03. Review status: criteria provided, single submitter. Criteria: Invitae Variant Classification Sherloc (09022015). Collection method: clinical testing. Allele origin: germline.

Ambry Genetics
Classification: Likely benign for Inborn genetic diseases. Last evaluated: 2022-07-06. Review status: criteria provided, single submitter. Criteria: Ambry Variant Classification Scheme 2023. Collection method: clinical testing. Allele origin: germline.

PreventionGenetics, part of Exact Sciences
Classification: Likely benign for SMAD6-related condition. Last evaluated: 2022-05-18. Review status: no assertion criteria provided. Collection method: clinical testing. Allele origin: germline. Not counted in ClinVar's aggregate classification.
Comment: This variant is classified as likely benign based on ACMG/AMP sequence variant interpretation guidelines (Richards et al. 2015 PMID: 25741868, with internal and published modifications).

NM_005585.5(SMAD6):c.816C>G (p.Pro272=)

Gene: SMAD6 (SMAD family member 6; plus strand). Cytogenetic location: 15q22.31.
Variant type: single nucleotide variant.
Coding change: c.816C>G on transcript NM_005585.5 (MANE Select); coding-DNA position 816, C replaced by G.
Protein change: p.Pro272=; no amino-acid change (proline 272 retained).
Molecular consequence: synonymous variant. On other transcripts: non-coding transcript variant (1).
Genome position (GRCh38, 1-based): chr15:66,704,074, C>G. VCF-style: chr15-66704074-C-G. GRCh37 (hg19) VCF-style: chr15-66996412-C-G.
Identifiers: ClinVar variation 695952 (VCV000695952.13), dbSNP rs748073570, ClinGen allele CA7626539.